The following is an entry in ClinVar:

ClinVar aggregate classification (germline): Uncertain significance (1 of 4 stars; one submission).

Conditions:
Encephalopathy, acute, infection-induced (herpes-specific), susceptibility to, 1. Also called: Herpes simplex encephalitis, susceptibility to, 1. Identifiers: Orphanet 1930, MedGen C2750180, MONDO:0024563, OMIM 610551.

Submission:

Labcorp Genetics (formerly Invitae), Labcorp
Classification: Uncertain significance for Encephalopathy, acute, infection-induced (herpes-specific), susceptibility to, 1. Last evaluated: 2024-03-07. Review status: criteria provided, single submitter. Criteria: Invitae Variant Classification Sherloc (09022015). Collection method: clinical testing. Allele origin: germline.
Comment: This sequence change replaces glutamic acid, which is acidic and polar, with glycine, which is neutral and non-polar, at codon 358 of the TLR3 protein (p.Glu358Gly). This variant is not present in population databases (gnomAD no frequency). This variant has not been reported in the literature in individuals affected with TLR3-related conditions. An algorithm developed to predict the effect of missense changes on protein structure and function (PolyPhen-2) suggests that this variant is likely to be disruptive. In summary, the available evidence is currently insufficient to determine the role of this variant in disease. Therefore, it has been classified as a Variant of Uncertain Significance.

NM_003265.3(TLR3):c.1073A>G (p.Glu358Gly)

Gene: TLR3 (toll like receptor 3; plus strand). Cytogenetic location: 4q35.1.
Variant type: single nucleotide variant.
Coding change: c.1073A>G on transcript NM_003265.3 (MANE Select); coding-DNA position 1073, A replaced by G.
Protein change: p.Glu358Gly; replaces glutamic acid 358 with glycine.
Molecular consequence: missense variant.
Genome position (GRCh38, 1-based): chr4:186,082,759, A>G. VCF-style: chr4-186082759-A-G. GRCh37 (hg19) VCF-style: chr4-187003913-A-G.
Other names: short protein forms E358G.
Identifiers: ClinVar variation 3683142 (VCV003683142.2).